The following is an entry in ClinVar:

NM_001164508.2(NEB):c.11372G>A (p.Trp3791Ter)

Gene: NEB (nebulin; minus strand). Cytogenetic location: 2q23.3.
Variant type: single nucleotide variant.
Coding change: c.11372G>A on transcript NM_001164508.2 (MANE Select); coding-DNA position 11372, G replaced by A.
Protein change: p.Trp3791Ter; replaces tryptophan 3791 with a stop codon.
Molecular consequence: nonsense.
Genome position (GRCh38, 1-based): chr2:151,614,505, C>T on the plus strand (G>A on the coding strand, the complement: NEB is on the minus strand). VCF-style: chr2-151614505-C-T. GRCh37 (hg19) VCF-style: chr2-152471019-C-T.
Other names: c.11372G>A, p.Trp3791Ter (NM_001164507.2, NM_001271208.2); c.10643G>A, p.Trp3548Ter (NM_004543.5); short protein forms W3548*, W3791*.
Identifiers: ClinVar variation 4814707 (VCV004814707.1).
Genomic context (GRCh38, chr2:151,614,505, plus strand): 5'-CACTTCTCAAACTCCTTCTTGTACTCCCTGTCACTCTGGATCTTGGCCACATGGATGGAC[C>T]ACATCATCTTCGGGTCATCCTTAATGTTCCGGGCCCCAATATGGTGGCCAAGCTGTTTGC-3'

ClinVar aggregate classification (germline): Likely pathogenic (1 of 4 stars; one submission).

Conditions:
Nemaline myopathy 2 (NEM2). Also called: Nemaline myopathy 2, autosomal recessive. Identifiers: MedGen C1850569, MONDO:0009725, OMIM 256030.

gnomAD v4.1: 1 of 1,613,874 alleles (0.000062%); highest among the groups gnomAD compares: Non-Finnish European, 0.000085%; no homozygotes.

Submission:

Natera, Inc.
Classification: Likely pathogenic for Nemaline myopathy type 2. Last evaluated: 2024-06-05. Review status: criteria provided, single submitter. Criteria: Natera Variant Classification Schema (03/2026). Collection method: clinical testing. Allele origin: germline.
Comment: The c.11372G>A variant in NEB is a nonsense variant predicted to introduce a stop codon at amino acid 3791. This variant is expected to result in nonsense mediated decay, truncation, or a dysfunctional protein product. This variant is rare in the general population with a frequency below the threshold expected for the associated phenotype(s). Given the available evidence, this variant is classified as Likely Pathogenic.